The following is an entry in ClinVar:

NM_004252.5(NHERF1):c.555C>A (p.Asp185Glu)

Gene: NHERF1 (NHERF family PDZ scaffold protein 1; plus strand). Cytogenetic location: 17q25.1.
Variant type: single nucleotide variant.
Coding change: c.555C>A on transcript NM_004252.5 (MANE Select); coding-DNA position 555, C replaced by A.
Protein change: p.Asp185Glu; replaces aspartic acid 185 with glutamic acid.
Molecular consequence: missense variant.
Genome position (GRCh38, 1-based): chr17:74,762,125, C>A. VCF-style: chr17-74762125-C-A. GRCh37 (hg19) VCF-style: chr17-72758264-C-A.
Other names: short protein forms D185E.
Identifiers: ClinVar variation 1165375 (VCV001165375.32), dbSNP rs200926419, ClinGen allele CA8750623.
Genomic context (GRCh38, chr17:74,762,125, plus strand): 5'-CTTCAACCTGCACAGCGACAAGTCCAAGCCAGGCCAGTTCATCCGGTCAGTGGACCCAGA[C>A]TCCCCGGCTGAGGCTTCAGGGCTCCGGGCCCAGGATCGCATTGTGGAGGTGATGCTTCTC-3'
Protein context (NP_004243.1, residues 175-195): PGQFIRSVDP[Asp185Glu]SPAEASGLRA

ClinVar aggregate classification (germline): Benign/Likely benign. Review status: criteria provided, multiple submitters, no conflicts (2 of 4 stars). 2 submissions from 2 submitters: Benign (1); Likely benign (1). Last evaluated 2024-12-10.

Allele frequency attached by ClinVar (database versions not stated): TOPMed 0.00003; gnomAD 0.00029; gnomAD exomes 0.00049 and 0.00109; ExAC 0.00115; 1000 Genomes Project 30x 0.00156; 1000 Genomes Project 0.00160.
gnomAD v4.1: 778 of 1,614,180 alleles (0.048%); highest among the groups gnomAD compares: South Asian, 0.8%; 17 homozygotes.

Submissions (2):

Labcorp Genetics (formerly Invitae), Labcorp
Classification: Benign. Last evaluated: 2024-12-10. Review status: criteria provided, single submitter. Criteria: Invitae Variant Classification Sherloc (09022015). Collection method: clinical testing. Allele origin: germline.

CeGaT Center for Human Genetics Tuebingen
Classification: Likely benign. Last evaluated: 2023-01-01. Review status: criteria provided, single submitter. Criteria: CeGaT Center For Human Genetics Tuebingen Variant Classification Criteria Version 2. Collection method: clinical testing. Allele origin: germline. Affected: yes. Observed: 1 variant allele.
Comment: NHERF1: BP4, BS2